The following is an entry in ClinVar:

ClinVar aggregate classification (germline): Uncertain significance (1 of 4 stars; one submission).

gnomAD v4.1: 5 of 1,612,724 alleles (0.00031%); highest among the groups gnomAD compares: Non-Finnish European, 0.00042%; no homozygotes.

Submission:

Labcorp Genetics (formerly Invitae), Labcorp
Classification: Uncertain significance. Last evaluated: 2025-12-04. Review status: criteria provided, single submitter. Criteria: Invitae Variant Classification Sherloc (09022015). Collection method: clinical testing. Allele origin: germline.
Comment: This sequence change replaces threonine, which is neutral and polar, with arginine, which is basic and polar, at codon 594 of the SCNN1B protein (p.Thr594Arg). This variant is present in population databases (no rsID available, gnomAD 0.002%). This variant has not been reported in the literature in individuals affected with SCNN1B-related conditions. An algorithm developed to predict the effect of missense changes on protein structure and function (PolyPhen-2) suggests that this variant is likely to be tolerated. In summary, the available evidence is currently insufficient to determine the role of this variant in disease. Therefore, it has been classified as a Variant of Uncertain Significance.

NM_000336.3(SCNN1B):c.1781C>G (p.Thr594Arg)

Gene: SCNN1B (sodium channel epithelial 1 subunit beta; plus strand). Cytogenetic location: 16p12.2.
Variant type: single nucleotide variant.
Coding change: c.1781C>G on transcript NM_000336.3 (MANE Select); coding-DNA position 1781, C replaced by G.
Protein change: p.Thr594Arg; replaces threonine 594 with arginine.
Molecular consequence: missense variant.
Genome position (GRCh38, 1-based): chr16:23,380,659, C>G. VCF-style: chr16-23380659-C-G. GRCh37 (hg19) VCF-style: chr16-23391980-C-G.
Other names: c.1673C>G, p.Thr558Arg (NM_001410900.1); short protein forms T558R, T594R.
Identifiers: ClinVar variation 4781748 (VCV004781748.1).